The following is an entry in ClinVar:

ClinVar aggregate classification (germline): Uncertain significance. Review status: criteria provided, multiple submitters, no conflicts (2 of 4 stars). 2 submissions from 2 submitters: Uncertain significance (2). Last evaluated 2026-06-26.

Conditions:
Infantile nephronophthisis (NPHP2). Also called: Nephronophthisis 2, infantile; Nephronophthisis 2. Identifiers: Orphanet 655, Orphanet 93591, MedGen C1865872, MONDO:0011190, OMIM 602088.
INVS-related disorder. Also called: INVS-related condition.

gnomAD v4.1: 2 of 1,613,842 alleles (0.00012%); highest among the groups gnomAD compares: Non-Finnish European, 0.00017%; no homozygotes.

Submissions (2):

PreventionGenetics, part of Exact Sciences
Classification: Uncertain significance for INVS-related condition. Last evaluated: 2026-06-26. Review status: criteria provided, single submitter. Criteria: ACMG Guidelines, 2015. Collection method: clinical testing. Allele origin: germline.
Comment: The INVS c.1345C>A variant is predicted to result in the amino acid substitution p.Pro449Thr. To our knowledge, this variant has not been reported in the literature or in a large population database (gnomAD), indicating this variant is rare. At this time, the clinical significance of this variant is uncertain due to the absence of conclusive functional and genetic evidence.

Fulgent Genetics
Classification: Uncertain significance for Infantile nephronophthisis. Last evaluated: 2024-02-18. Review status: criteria provided, single submitter. Criteria: ACMG Guidelines, 2015. Collection method: clinical testing. Allele origin: germline.

NM_014425.5(INVS):c.1345C>A (p.Pro449Thr)

Gene: INVS (inversin; plus strand). Cytogenetic location: 9q31.1.
Variant type: single nucleotide variant.
Coding change: c.1345C>A on transcript NM_014425.5 (MANE Select); coding-DNA position 1345, C replaced by A.
Protein change: p.Pro449Thr; replaces proline 449 with threonine.
Molecular consequence: missense variant. On other transcripts: non-coding transcript variant (1).
Genome position (GRCh38, 1-based): chr9:100,253,017, C>A. VCF-style: chr9-100253017-C-A. GRCh37 (hg19) VCF-style: chr9-103015299-C-A.
Other names: c.1057C>A, p.Pro353Thr (NM_001318381.2); c.367C>A, p.Pro123Thr (NM_001318382.2); c.1345C>A (NM_014425.4); short protein forms P123T, P353T, P449T.
Identifiers: ClinVar variation 3596160 (VCV003596160.2).